The following is an entry in ClinVar:

NM_002860.4(ALDH18A1):c.714A>G (p.Val238=)

Gene: ALDH18A1 (aldehyde dehydrogenase 18 family member A1; minus strand). Cytogenetic location: 10q24.1.
Variant type: single nucleotide variant.
Coding change: c.714A>G on transcript NM_002860.4 (MANE Select); coding-DNA position 714, A replaced by G.
Protein change: p.Val238=; no amino-acid change (valine 238 retained).
Molecular consequence: synonymous variant. On other transcripts: intron variant (3).
Genome position (GRCh38, 1-based): chr10:95,633,494, T>C on the plus strand (A>G on the coding strand, the complement: ALDH18A1 is on the minus strand). VCF-style: chr10-95633494-T-C. GRCh37 (hg19) VCF-style: chr10-97393251-T-C.
Other names: c.381A>G, p.Val127= (NM_001323412.2, NM_001323416.2); c.714A>G, p.Val238= (NM_001323413.2, NM_001323414.2); c.609A>G, p.Val203= (NM_001323417.2); c.78A>G, p.Val26= (NM_001323419.2); c.711+3A>G (NM_001017423.2, NM_001323415.2); c.378+3A>G (NM_001323418.2).
Identifiers: ClinVar variation 2197919 (VCV002197919.4), dbSNP rs2097874533, ClinGen allele CA471030471.

ClinVar aggregate classification (germline): Uncertain significance (1 of 4 stars; one submission).

Conditions:
Cutis laxa, autosomal dominant 3 (ADCL3). Identifiers: Orphanet 90348, MedGen C4225268, MONDO:0014706, OMIM 616603.
de Barsy syndrome. Also called: Cutis laxa-corneal clouding-oligophrenia syndrome. Identifiers: Orphanet 2962, MedGen C0268354, MONDO:0017569.
Autosomal dominant spastic paraplegia type 9. Identifiers: MedGen C1832669, MONDO:0015091.

Allele frequency attached by ClinVar (database versions not stated): gnomAD exomes below 0.00001; TOPMed below 0.00001.
gnomAD v4.1: 2 of 1,614,158 alleles (0.00012%); highest among the groups gnomAD compares: Non-Finnish European, 0.00017%; no homozygotes.

Submission:

Labcorp Genetics (formerly Invitae), Labcorp
Classification: Uncertain significance for Autosomal dominant spastic paraplegia type 9; de Barsy syndrome; Cutis laxa, autosomal dominant 3. Last evaluated: 2024-07-08. Review status: criteria provided, single submitter. Criteria: Invitae Variant Classification Sherloc (09022015). Collection method: clinical testing. Allele origin: germline.
Comment: This sequence change affects codon 238 of the ALDH18A1 mRNA. It is a 'silent' change, meaning that it does not change the encoded amino acid sequence of the ALDH18A1 protein. This variant is not present in population databases (gnomAD no frequency). This variant has not been reported in the literature in individuals affected with ALDH18A1-related conditions. ClinVar contains an entry for this variant (Variation ID: 2197919). Algorithms developed to predict the effect of sequence changes on RNA splicing suggest that this variant may create or strengthen a splice site. In summary, the available evidence is currently insufficient to determine the role of this variant in disease. Therefore, it has been classified as a Variant of Uncertain Significance.